The following is an entry in ClinVar:

ClinVar aggregate classification (germline): Pathogenic/Likely pathogenic. Review status: criteria provided, multiple submitters, no conflicts (2 of 4 stars). 3 submissions from 3 submitters: Pathogenic (1); Likely pathogenic (1). 1 of the submissions does not count toward it. Last evaluated 2023-07-21.

Conditions:
Nephronophthisis. Also called: Juvenile Nephronophthisis. Identifiers: Orphanet 655, MedGen C0687120, MONDO:0019005, HP:0000090.
Infantile nephronophthisis (NPHP2). Also called: Nephronophthisis 2; Nephronophthisis 2, infantile. Identifiers: Orphanet 655, Orphanet 93591, MedGen C1865872, MONDO:0011190, OMIM 602088.

gnomAD v4.1: 6 of 1,612,180 alleles (0.00037%); highest among the groups gnomAD compares: African/African-American, 0.0013%; no homozygotes.

Submissions (3):

Labcorp Genetics (formerly Invitae), Labcorp
Classification: Pathogenic for Nephronophthisis. Last evaluated: 2023-07-21. Review status: criteria provided, single submitter. Criteria: Invitae Variant Classification Sherloc (09022015). Collection method: clinical testing. Allele origin: germline.
Comment: Disruption of this splice site has been observed in individual(s) with nephronophthisis (PMID: 32173348, 34295353). In at least one individual the data is consistent with being in trans (on the opposite chromosome) from a pathogenic variant. This sequence change affects a donor splice site in intron 14 of the INVS gene. It is expected to disrupt RNA splicing. Variants that disrupt the donor or acceptor splice site typically lead to a loss of protein function (PMID: 16199547), and loss-of-function variants in INVS are known to be pathogenic (PMID: 12872123). This variant is present in population databases (no rsID available, gnomAD 0.01%). ClinVar contains an entry for this variant (Variation ID: 591520). Algorithms developed to predict the effect of sequence changes on RNA splicing suggest that this variant may disrupt the consensus splice site. For these reasons, this variant has been classified as Pathogenic.

Fulgent Genetics
Classification: Likely pathogenic for Infantile nephronophthisis. Last evaluated: 2021-12-08. Review status: criteria provided, single submitter. Criteria: ACMG Guidelines, 2015. Collection method: clinical testing. Allele origin: unknown.

Gharavi Laboratory, Columbia University
Classification: Uncertain significance. Last evaluated: 2018-09-16. Review status: no assertion criteria provided. Criteria: ACMG Guidelines, 2015. Collection method: research. Allele origin: germline. Affected: yes. Not counted in ClinVar's aggregate classification.

Literature cited by the submitters: PubMed 32173348 (cited by Labcorp Genetics (formerly Invitae), Labcorp); PubMed 34295353 (cited by Labcorp Genetics (formerly Invitae), Labcorp); PubMed 16199547 (cited by Labcorp Genetics (formerly Invitae), Labcorp); PubMed 12872123 (cited by Labcorp Genetics (formerly Invitae), Labcorp).

NM_014425.5(INVS):c.2786+2T>C

Gene: INVS (inversin; plus strand). Cytogenetic location: 9q31.1.
Variant type: single nucleotide variant.
Coding change: c.2786+2T>C on transcript NM_014425.5 (MANE Select); the canonical splice donor site of the intron after coding-DNA position 2786, T replaced by C.
Molecular consequence: splice donor variant.
Genome position (GRCh38, 1-based): chr9:100,293,045, T>C. VCF-style: chr9-100293045-T-C. GRCh37 (hg19) VCF-style: chr9-103055327-T-C.
Other names: c.2498+2T>C (NM_001318381.2); c.1808+2T>C (NM_001318382.2).
Identifiers: ClinVar variation 591520 (VCV000591520.9), dbSNP rs1322951938, ClinGen allele CA374244501.
Genomic context (GRCh38, chr9:100,293,045, plus strand): 5'-AAGGAGCTGTTTCGCAAAAAGAACAAGGCAGCAGCAGTCATCCAGCGCGCCTGGCGAAGG[T>C]AGGAAAATGGGGTGCTGCCGCATCTGTGGTTCTTTGTTACTGATATTCTCAACATGACAT-3'